The following is an entry in ClinVar:

NM_201378.4(PLEC):c.71-1089G>A

Genes: PLEC (plectin; minus strand), LOC130001339 (ATAC-STARR-seq lymphoblastoid silent region 19631; plus strand). Cytogenetic location: 8q24.3.
Variant type: single nucleotide variant.
Coding change: c.71-1089G>A on transcript NM_201378.4 (MANE Plus Clinical); 1089 bases into the intron before coding-DNA position 71, G replaced by A.
Molecular consequence: intron variant.
Genome position (GRCh38, 1-based): chr8:143,939,781, C>T on the plus strand (G>A on the coding strand, the complement: PLEC is on the minus strand). VCF-style: chr8-143939781-C-T. GRCh37 (hg19) VCF-style: chr8-145013949-C-T.
Other names: c.194-1089G>A (NM_001410941.1, NM_000445.5); c.47-1089G>A (NM_201379.3); c.524-1089G>A (NM_201380.4); c.17-1089G>A (NM_201381.3); c.113-1089G>A (NM_201382.4); c.125-1089G>A (NM_201383.3).
Identifiers: ClinVar variation 683688 (VCV000683688.3), dbSNP rs4073082, ClinGen allele CA12780818.

ClinVar aggregate classification (germline): Benign (1 of 4 stars; one submission).

Allele frequency attached by ClinVar (database versions not stated): 1000 Genomes Project 30x 0.23360; 1000 Genomes Project 0.23383; TOPMed 0.27724; gnomAD 0.29263 and 0.29422.
gnomAD v4.1: 44,905 of 152,070 alleles (30%); highest among the groups gnomAD compares: Non-Finnish European, 39%; 7,915 homozygotes.

Submission:

GeneDx
Classification: Benign. Last evaluated: 2018-06-19. Review status: criteria provided, single submitter. Criteria: GeneDx Variant Classification (06012015). Collection method: clinical testing. Allele origin: germline. Affected: yes.
Comment: This variant is considered likely benign or benign based on one or more of the following criteria: it is a conservative change, it occurs at a poorly conserved position in the protein, it is predicted to be benign by multiple in silico algorithms, and/or has population frequency not consistent with disease.